The following is an entry in ClinVar:

ClinVar aggregate classification (germline): Likely benign (1 of 4 stars; one submission).

Allele frequency attached by ClinVar (database versions not stated): gnomAD 0.00084; ESP Exome Variant Server 0.00096; ExAC 0.00108; gnomAD exomes 0.00156.
gnomAD v4.1: 2,405 of 1,614,088 alleles (0.15%); highest among the groups gnomAD compares: Non-Finnish European, 0.18%; 4 homozygotes.

Submission:

CeGaT Center for Human Genetics Tuebingen
Classification: Likely benign. Last evaluated: 2022-03-01. Review status: criteria provided, single submitter. Criteria: CeGaT Center For Human Genetics Tuebingen Variant Classification Criteria Version 2. Collection method: clinical testing. Allele origin: germline. Affected: yes. Observed: 1 variant allele.
Comment: GREB1: BP4, BP7

NM_014668.4(GREB1):c.5520C>T (p.Val1840=)

Gene: GREB1 (growth regulating estrogen receptor binding 1; plus strand). Cytogenetic location: 2p25.1.
Variant type: single nucleotide variant.
Coding change: c.5520C>T on transcript NM_014668.4 (MANE Select); coding-DNA position 5520, C replaced by T.
Protein change: p.Val1840=; no amino-acid change (valine 1840 retained).
Molecular consequence: synonymous variant.
Genome position (GRCh38, 1-based): chr2:11,637,889, C>T. VCF-style: chr2-11637889-C-T. GRCh37 (hg19) VCF-style: chr2-11778015-C-T.
Identifiers: ClinVar variation 2650685 (VCV002650685.24), dbSNP rs35568947, ClinGen allele CA1532847.